The following is an entry in ClinVar:

ClinVar aggregate classification (germline): Likely benign. Review status: criteria provided, multiple submitters, no conflicts (2 of 4 stars). 3 submissions from 3 submitters: Likely benign (2). 1 of the submissions does not count toward it. Last evaluated 2024-01-15.

Conditions:
FAT1-related disorder. Also called: FAT1-related condition.

Allele frequency attached by ClinVar (database versions not stated): TOPMed 0.00001; gnomAD exomes 0.00003; ExAC 0.00007.
gnomAD v4.1: 42 of 1,613,818 alleles (0.0026%); highest among the groups gnomAD compares: Admixed American, 0.0033%; no homozygotes.

Submissions (3):

Labcorp Genetics (formerly Invitae), Labcorp
Classification: Likely benign. Last evaluated: 2024-01-15. Review status: criteria provided, single submitter. Criteria: Invitae Variant Classification Sherloc (09022015). Collection method: clinical testing. Allele origin: germline.

Blueprint Genetics
Classification: Likely benign. Last evaluated: 2022-11-29. Review status: criteria provided, single submitter. Criteria: ACMG Guidelines, 2015. Collection method: clinical testing. Allele origin: germline.

PreventionGenetics, part of Exact Sciences
Classification: Likely benign for FAT1-related condition. Last evaluated: 2024-03-14. Review status: no assertion criteria provided. Collection method: clinical testing. Allele origin: germline. Not counted in ClinVar's aggregate classification.
Comment: This variant is classified as likely benign based on ACMG/AMP sequence variant interpretation guidelines (Richards et al. 2015 PMID: 25741868, with internal and published modifications).

NM_005245.4(FAT1):c.13620C>T (p.Tyr4540=)

Genes: FAT1 (FAT atypical cadherin 1; minus strand), LOC126807253 (BRD4-independent group 4 enhancer GRCh37_chr4:187509297-187510496; plus strand). Cytogenetic location: 4q35.2.
Variant type: single nucleotide variant.
Coding change: c.13620C>T on transcript NM_005245.4 (MANE Select); coding-DNA position 13620, C replaced by T.
Protein change: p.Tyr4540=; no amino-acid change (tyrosine 4540 retained).
Molecular consequence: synonymous variant.
Genome position (GRCh38, 1-based): chr4:186,588,739, G>A on the plus strand (C>T on the coding strand, the complement: FAT1 is on the minus strand). VCF-style: chr4-186588739-G-A. GRCh37 (hg19) VCF-style: chr4-187509893-G-A.
Other names: c.13620C>T (NM_005245.3).
Identifiers: ClinVar variation 2976908 (VCV002976908.5), dbSNP rs773428259, ClinGen allele CA3164484.